The following is an entry in ClinVar:

ClinVar aggregate classification (germline): Uncertain significance. Review status: criteria provided, multiple submitters, no conflicts (2 of 4 stars). 2 submissions from 2 submitters: Uncertain significance (2). Last evaluated 2025-12-22.

Allele frequency attached by ClinVar (database versions not stated): gnomAD exomes 0.00003; ExAC 0.00004; ESP Exome Variant Server 0.00015; gnomAD 0.00025; TOPMed 0.00025; 1000 Genomes Project 30x 0.00031; 1000 Genomes Project 0.00040.
gnomAD v4.1: 93 of 1,614,168 alleles (0.0058%); highest among the groups gnomAD compares: African/African-American, 0.071%; no homozygotes.

Submissions (2):

Labcorp Genetics (formerly Invitae), Labcorp
Classification: Uncertain significance. Last evaluated: 2025-12-22. Review status: criteria provided, single submitter. Criteria: Invitae Variant Classification Sherloc (09022015). Collection method: clinical testing. Allele origin: germline.
Comment: This sequence change replaces arginine, which is basic and polar, with histidine, which is basic and polar, at codon 234 of the FBN3 protein (p.Arg234His). This variant is present in population databases (rs148311665, gnomAD 0.07%), and has an allele count higher than expected for a pathogenic variant. This variant has not been reported in the literature in individuals affected with FBN3-related conditions. ClinVar contains an entry for this variant (Variation ID: 2079345). An algorithm developed to predict the effect of missense changes on protein structure and function (PolyPhen-2) suggests that this variant is likely to be disruptive. In summary, the available evidence is currently insufficient to determine the role of this variant in disease. Therefore, it has been classified as a Variant of Uncertain Significance.

Ambry Genetics
Classification: Uncertain significance. Last evaluated: 2025-01-21. Review status: criteria provided, single submitter. Criteria: Ambry Variant Classification Scheme 2023. Collection method: clinical testing. Allele origin: germline.

NM_032447.5(FBN3):c.701G>A (p.Arg234His)

Gene: FBN3 (fibrillin 3; minus strand). Cytogenetic location: 19p13.2.
Variant type: single nucleotide variant.
Coding change: c.701G>A on transcript NM_032447.5 (MANE Select); coding-DNA position 701, G replaced by A.
Protein change: p.Arg234His; replaces arginine 234 with histidine.
Molecular consequence: missense variant.
Genome position (GRCh38, 1-based): chr19:8,141,978, C>T on the plus strand (G>A on the coding strand, the complement: FBN3 is on the minus strand). VCF-style: chr19-8141978-C-T. GRCh37 (hg19) VCF-style: chr19-8206862-C-T.
Other names: c.701G>A, p.Arg234His (NM_001321431.2); c.701G>A (NM_032447.3); short protein forms R234H.
Identifiers: ClinVar variation 2079345 (VCV002079345.5), dbSNP rs148311665, ClinGen allele CA9153632.
Genomic context (GRCh38, chr19:8,141,978, plus strand): 5'-CAGCCCTGACCCCACTATTCACCTTGGCAGGCCCCCGTGTGGATATTGGGGATGAAGCCG[C>T]GGCGGCAGGGGTGTGGCTGTGCAGGGCAAAGTTCACATGGAAGGCCCCAGGCACGGCCCA-3'
Protein context (NP_115823.3, residues 224-244): LCPAQPHPCR[Arg234His]GFIPNIHTGA